The following is an entry in ClinVar:

NM_032043.3(BRIP1):c.1015G>A (p.Glu339Lys)

Gene: BRIP1 (BRCA1 interacting DNA helicase 1; minus strand). Cytogenetic location: 17q23.2.
Variant type: single nucleotide variant.
Coding change: c.1015G>A on transcript NM_032043.3 (MANE Select); coding-DNA position 1015, G replaced by A.
Protein change: p.Glu339Lys; replaces glutamic acid 339 with lysine.
Molecular consequence: missense variant.
Genome position (GRCh38, 1-based): chr17:61,801,378, C>T on the plus strand (G>A on the coding strand, the complement: BRIP1 is on the minus strand). VCF-style: chr17-61801378-C-T. GRCh37 (hg19) VCF-style: chr17-59878739-C-T.
Other names: c.1015G>A (NM_032043.2); short protein forms E339K.
Identifiers: ClinVar variation 1461146 (VCV001461146.8), dbSNP rs2145337853, ClinGen allele CA400484110.

ClinVar aggregate classification (germline): Uncertain significance. Review status: criteria provided, multiple submitters, no conflicts (2 of 4 stars). 2 submissions from 2 submitters: Uncertain significance (2). Last evaluated 2025-04-23.

Conditions:
Hereditary cancer-predisposing syndrome. Also called: Neoplastic Syndromes, Hereditary; Hereditary Cancer Syndrome; Tumor predisposition; Hereditary neoplastic syndrome. Identifiers: Orphanet 140162, MedGen C0027672, MeSH D009386, MONDO:0015356.
Familial cancer of breast. Also called: Hereditary breast cancer; BREAST CANCER, FAMILIAL; hereditary breast carcinoma. Identifiers: Orphanet 227535, MedGen C0346153, MONDO:0016419, OMIM 114480. Disease mechanism: loss of function.
Fanconi anemia complementation group J. Also called: BRIP1-Related Fanconi Anemia. Identifiers: Orphanet 84, MedGen C1836860, MONDO:0012187, OMIM 609054.

Submissions (2):

Ambry Genetics
Classification: Uncertain significance for Hereditary cancer-predisposing syndrome. Last evaluated: 2025-04-23. Review status: criteria provided, single submitter. Criteria: Ambry Variant Classification Scheme 2023. Collection method: clinical testing. Allele origin: germline.
Comment: The p.E339K variant (also known as c.1015G>A), located in coding exon 7 of the BRIP1 gene, results from a G to A substitution at nucleotide position 1015. The glutamic acid at codon 339 is replaced by lysine, an amino acid with similar properties. This amino acid position is not well conserved in available vertebrate species. In addition, the in silico prediction for this alteration is inconclusive. Based on the available evidence, the clinical significance of this variant remains unclear.

Labcorp Genetics (formerly Invitae), Labcorp
Classification: Uncertain significance for Familial cancer of breast; Fanconi anemia complementation group J. Last evaluated: 2021-08-06. Review status: criteria provided, single submitter. Criteria: Invitae Variant Classification Sherloc (09022015). Collection method: clinical testing. Allele origin: germline.
Comment: In summary, the available evidence is currently insufficient to determine the role of this variant in disease. Therefore, it has been classified as a Variant of Uncertain Significance. Algorithms developed to predict the effect of missense changes on protein structure and function are either unavailable or do not agree on the potential impact of this missense change (SIFT: "Tolerated"; PolyPhen-2: "Possibly Damaging"; Align-GVGD: "Class C0"). This variant has not been reported in the literature in individuals affected with BRIP1-related conditions. This variant is not present in population databases (ExAC no frequency). This sequence change replaces glutamic acid with lysine at codon 339 of the BRIP1 protein (p.Glu339Lys). The glutamic acid residue is moderately conserved and there is a small physicochemical difference between glutamic acid and lysine.